The following is an entry in ClinVar:

NM_001330288.2(SMARCC2):c.1052A>G (p.Asn351Ser)

Gene: SMARCC2 (SWI/SNF related BAF chromatin remodeling complex subunit C2; minus strand). Cytogenetic location: 12q13.2.
Variant type: single nucleotide variant.
Coding change: c.1052A>G on transcript NM_001330288.2 (MANE Select); coding-DNA position 1052, A replaced by G.
Protein change: p.Asn351Ser; replaces asparagine 351 with serine.
Molecular consequence: missense variant.
Genome position (GRCh38, 1-based): chr12:56,181,006, T>C on the plus strand (A>G on the coding strand, the complement: SMARCC2 is on the minus strand). VCF-style: chr12-56181006-T-C. GRCh37 (hg19) VCF-style: chr12-56574790-T-C.
Other names: c.1052A>G (NM_003075.3, NM_003075.4); c.1052A>G, p.Asn351Ser (NM_001130420.3, NM_003075.5, NM_139067.4); short protein forms N351S.
Identifiers: ClinVar variation 1053358 (VCV001053358.11), dbSNP rs939929481, ClinGen allele CA237662092.

ClinVar aggregate classification (germline): Conflicting classifications of pathogenicity. Review status: criteria provided, conflicting classifications (1 of 4 stars). 3 submissions from 3 submitters: Uncertain significance (2); Likely benign (1). Last evaluated 2025-04-25.

Conditions:
SMARCC2-related disorder. Also called: SMARCC2-related condition.
Inborn genetic diseases. Identifiers: MedGen C0950123, MeSH D030342.

Allele frequency attached by ClinVar (database versions not stated): gnomAD 0.00001; gnomAD exomes 0.00001; TOPMed 0.00004.

Submissions (3):

PreventionGenetics, part of Exact Sciences
Classification: Likely benign for SMARCC2-related condition. Last evaluated: 2025-04-25. Review status: criteria provided, single submitter. Criteria: ACMG Guidelines, 2015. Collection method: clinical testing. Allele origin: germline.
Comment: This variant is classified as likely benign based on ACMG/AMP sequence variant interpretation guidelines (Richards et al. 2015 PMID: 25741868, with internal and published modifications).

Ambry Genetics
Classification: Uncertain significance for Inborn genetic diseases. Last evaluated: 2021-10-20. Review status: criteria provided, single submitter. Criteria: Ambry Variant Classification Scheme 2023. Collection method: clinical testing. Allele origin: germline.

Labcorp Genetics (formerly Invitae), Labcorp
Classification: Uncertain significance. Last evaluated: 2018-02-12. Review status: criteria provided, single submitter. Criteria: Invitae Variant Classification Sherloc (09022015). Collection method: clinical testing. Allele origin: germline.
Comment: This variant has not been reported in the literature in individuals with SMARCC2-related disease. This sequence change replaces asparagine with serine at codon 351 of the SMARCC2 protein (p.Asn351Ser). The asparagine residue is moderately conserved and there is a small physicochemical difference between asparagine with serine. This variant is not present in population databases (ExAC no frequency). Algorithms developed to predict the effect of missense changes on protein structure and function (SIFT, PolyPhen-2, Align-GVGD) all suggest that this variant is likely to be tolerated, but these predictions have not been confirmed by published functional studies and their clinical significance is uncertain. In summary, the available evidence is currently insufficient to determine the role of this variant in disease. Therefore, it has been classified as a Variant of Uncertain Significance.